The following is an entry in ClinVar:

NM_004937.3(CTNS):c.582C>G (p.Tyr194Ter)

Genes: CTNS-AS1 (CTNS antisense RNA 1; minus strand), CTNS (cystinosin, lysosomal cystine transporter; plus strand). Cytogenetic location: 17p13.2.
Variant type: single nucleotide variant.
Coding change: c.582C>G on transcript NM_004937.3 (MANE Select); coding-DNA position 582, C replaced by G.
Protein change: p.Tyr194Ter; replaces tyrosine 194 with a stop codon.
Molecular consequence: nonsense.
Genome position (GRCh38, 1-based): chr17:3,656,696, C>G. VCF-style: chr17-3656696-C-G. GRCh37 (hg19) VCF-style: chr17-3559990-C-G.
Other names: c.582C>G, p.Tyr194Ter (NM_001031681.3, NM_001374492.1); c.141C>G, p.Tyr47Ter (NM_001374493.1, NM_001374494.1, NM_001374495.1 and 1 more transcripts); short protein forms Y194*, Y47*.
Identifiers: ClinVar variation 5012918 (VCV005012918.1).

ClinVar aggregate classification (germline): Pathogenic (1 of 4 stars; one submission).

Conditions:
Cystinosis. Also called: Cystine diathesis; Cystine storage disease; Cystinoses. Identifiers: Orphanet 213, MedGen C4316899, MONDO:0016239.

Submission:

Myriad Genetics, Inc.
Classification: Pathogenic for Cystinosis. Last evaluated: 2024-04-14. Review status: criteria provided, single submitter. Criteria: Myriad Autosomal Dominant, Autosomal Recessive and X-Linked Classification Criteria (2023). Collection method: clinical testing. Allele origin: unknown.
Comment: NM_004937.2(CTNS):c.582C>G(Y194*) is expected to be pathogenic in the context of cystinosis. This variant is predicted to lead to an abnormal or absent protein product due to the creation of a premature termination codon in CTNS, a gene where loss-of-function variants are known to be pathogenic. Please note: this variant was assessed in the context of healthy population screening.